The following is an entry in ClinVar:

NM_001267550.2(TTN):c.63137T>C (p.Ile21046Thr)

Genes: TTN (titin; minus strand), TTN-AS1 (TTN antisense RNA 1; plus strand). Cytogenetic location: 2q31.2.
Variant type: single nucleotide variant.
Coding change: c.63137T>C on transcript NM_001267550.2 (MANE Select); coding-DNA position 63137, T replaced by C.
Protein change: p.Ile21046Thr; replaces isoleucine 21046 with threonine.
Molecular consequence: missense variant.
Genome position (GRCh38, 1-based): chr2:178,588,588, A>G on the plus strand (T>C on the coding strand, the complement: TTN is on the minus strand). VCF-style: chr2-178588588-A-G. GRCh37 (hg19) VCF-style: chr2-179453315-A-G.
Other names: c.58214T>C, p.Ile19405Thr (NM_001256850.1); c.35942T>C, p.Ile11981Thr (NM_003319.4); c.55433T>C, p.Ile18478Thr (NM_133378.4); c.36317T>C, p.Ile12106Thr (NM_133432.3); c.36518T>C, p.Ile12173Thr (NM_133437.4); short protein forms I11981T, I12106T, I12173T, I18478T, I19405T, I21046T.
Identifiers: ClinVar variation 984478 (VCV000984478.10), dbSNP rs368868562, ClinGen allele CA1992142.

ClinVar aggregate classification (germline): Conflicting classifications of pathogenicity. Review status: criteria provided, conflicting classifications (1 of 4 stars). 6 submissions from 6 submitters: Uncertain significance (2); Likely benign (3). 1 of the submissions does not count toward it. Last evaluated 2025-04-08.

Conditions:
Cardiovascular phenotype. Identifiers: MedGen CN230736.
TTN-related disorder. Also called: TTN-related condition; TTN-related disease; TTN-related disorders.
Cardiomyopathy (CMYO). Also called: Cardiomyopathies. Identifiers: Orphanet 167848, MedGen C0878544, MONDO:0004994, HP:0001638. Inheritance: Various modes of inheritance.

Allele frequency attached by ClinVar (database versions not stated): ESP Exome Variant Server 0.00008; gnomAD 0.00008 and 0.00007; TOPMed 0.00012; gnomAD exomes 0.00001 and 0.00004; ExAC 0.00005.
gnomAD v4.1: 20 of 1,556,878 alleles (0.0013%); highest among the groups gnomAD compares: African/African-American, 0.022%; no homozygotes.

Submissions (6):

ARUP Laboratories, Molecular Genetics and Genomics, ARUP Laboratories
Classification: Uncertain significance. Last evaluated: 2025-04-08. Review status: criteria provided, single submitter. Criteria: ARUP Molecular Germline Variant Investigation Process 2024. Collection method: clinical testing. Allele origin: germline.
Comment: The TTN c.63137T>C; p.Ile21046Thr variant (rs368868562; ClinVar Variation ID: 984478) is rare in the general population (<0.2% allele frequency in the Genome Aggregation Database) and has not been reported in the medical literature in association with dilated cardiomyopathy (DCM) or other TTN-related disease. The clinical relevance of rare missense variants in this gene, which are identified on average once per individual sequenced in affected populations (Herman 2012), is not well understood. Yet, evidence suggests that the vast majority of such missense variants do not contribute to the clinical outcome of DCM (Begay 2015). Thus, the clinical significance of the p.Ile21046Thr variant cannot be determined with certainty. References: Begay RL et al. Role of Titin Missense Variants in Dilated Cardiomyopathy. J Am Heart Assoc. 2015 Nov 13;4(11). PMID: 26567375. Herman DS et al. Truncations of titin causing dilated cardiomyopathy. N Engl J Med. 2012 Feb 16;366(7):619-28. PMID: 22335739. Linke WA and Hamdani N. Gigantic business: titin properties and function through thick and thin. Circ Res 2014; 114(6): 1052-1068. PMID: 24625729.

Women's Health and Genetics/Laboratory Corporation of America, LabCorp
Classification: Uncertain significance. Last evaluated: 2020-10-26. Review status: criteria provided, single submitter. Criteria: LabCorp Variant Classification Summary - May 2015. Collection method: clinical testing. Allele origin: germline.
Comment: Variant summary: TTN c.55433T>C (p.Ile18478Thr) results in a non-conservative amino acid change located in the A-band of the encoded protein sequence. Three of five in-silico tools predict a benign effect of the variant on protein function. The variant allele was found at a frequency of 4.4e-05 in 205534 control chromosomes. The available data on variant occurrences in the general population are insufficient to allow any conclusion about variant significance. To our knowledge, no occurrence of c.55433T>C in individuals affected with Dilated Cardiomyopathy and no experimental evidence demonstrating its impact on protein function have been reported. No clinical diagnostic laboratories have submitted clinical-significance assessments for this variant to ClinVar after 2014. Based on the evidence outlined above, the variant was classified as uncertain significance.

Ambry Genetics
Classification: Likely benign for Cardiovascular phenotype. Last evaluated: 2020-04-06. Review status: criteria provided, single submitter. Criteria: Ambry Variant Classification Scheme 2023. Collection method: clinical testing. Allele origin: germline.

CHEO Genetics Diagnostic Laboratory, Children's Hospital of Eastern Ontario
Classification: Likely benign for Cardiomyopathy. Last evaluated: 2019-11-26. Review status: criteria provided, single submitter. Criteria: ACMG Guidelines, 2015. Collection method: clinical testing. Allele origin: germline.

GeneDx
Classification: Likely benign. Last evaluated: 2019-03-25. Review status: criteria provided, single submitter. Criteria: GeneDx Variant Classification Process June 2021. Collection method: clinical testing. Allele origin: germline. Affected: yes.

PreventionGenetics, part of Exact Sciences
Classification: Uncertain significance for TTN-related condition. Last evaluated: 2024-09-23. Review status: no assertion criteria provided. Collection method: clinical testing. Allele origin: germline. Not counted in ClinVar's aggregate classification.
Comment: The TTN c.63137T>C variant is predicted to result in the amino acid substitution p.Ile21046Thr. To our knowledge, this variant has not been reported in the literature. This variant is reported in 0.051% of alleles in individuals of African descent in gnomAD. Although we suspect that this variant may be benign, at this time, the clinical significance of this variant is uncertain due to the absence of conclusive functional and genetic evidence.